The following is an entry in ClinVar:

NM_004463.3(FGD1):c.527del (p.Pro176fs)

Gene: FGD1 (FYVE, RhoGEF and PH domain containing 1; minus strand). Cytogenetic location: Xp11.22.
Variant type: Deletion.
Coding change: c.527del on transcript NM_004463.3 (MANE Select); coding-DNA position 527, one base deleted (C; older notation c.527delC).
Protein change: p.Pro176fs; shifts the reading frame from proline 176.
Molecular consequence: frameshift variant.
Genome position (GRCh38, 1-based): chrX:54,470,715, G deleted on the plus strand (C on the coding strand, the reverse complement: FGD1 is on the minus strand); the first of 8 consecutive G bases (chrX:54,470,715-54,470,722); deleting any one gives the same sequence. VCF-style (leftmost placement, unchanged base first): chrX-54470714-TG-T. GRCh37 (hg19) VCF-style: chrX-54497147-TG-T.
Other names: c.527delC (NM_004463.2); short protein forms P176fs.
Identifiers: ClinVar variation 374329 (VCV000374329.22), dbSNP rs756586058, ClinGen allele CA10425253.

ClinVar aggregate classification (germline): Pathogenic/Likely pathogenic. Review status: criteria provided, multiple submitters, no conflicts (2 of 4 stars). 12 submissions from 12 submitters: Pathogenic (10); Likely pathogenic (1). 1 of the submissions does not count toward it. Last evaluated 2025-09-05.

Conditions:
Inborn genetic diseases. Identifiers: MedGen C0950123, MeSH D030342.
FGD1-related disorder. Also called: FGD1-related disorders; FGD1-related condition.
Aarskog syndrome (AAS). Also called: Aarskog disease; Aarskog-Scott syndrome, X-linked; Aarskog Scott syndrome; FGD1-Related Faciogenital Dysplasia (Aarskog-Scott Syndrome); FGDY. Identifiers: Orphanet 915, MedGen C0175701, MONDO:0010589, OMIM 305400.

Submissions (12):

3billion
Classification: Pathogenic for Aarskog syndrome. Last evaluated: 2025-09-05. Review status: criteria provided, single submitter. Criteria: ACMG Guidelines, 2015. Collection method: clinical testing. Allele origin: germline. Affected: yes.
Comment: The variant is observed at an extremely low frequency in the gnomAD v4.1.0 dataset (total allele frequency: 0.106%). Predicted Consequence/Location: Frameshift: predicted to result in a loss or disruption of normal protein function through nonsense-mediated decay (NMD) or protein truncation. Multiple pathogenic variants are reported downstream of the variant. The variant has been reported at least twice as pathogenic with clinical assertions and evidence for the classification (ClinVar ID: VCV000374329). Therefore, this variant is classified as Pathogenic according to the recommendation of ACMG/AMP guideline.

Dasa
Classification: Pathogenic. Last evaluated: 2025-07-19. Review status: criteria provided, single submitter. Criteria: DASA Assertion Criteria. Collection method: clinical testing. Allele origin: germline.
Comment: NM_004463.3(FGD1):c.527del (p.Pro176Hisfs*39) introduces a premature termination codon predicted to result in loss of normal protein function. Loss-of-function is an established mechanism of disease for this gene. De novo occurrence has been reported in an individual with related phenotype. The variant is present at low frequency in population datasets. Based on the available data, this variant is classified as pathogenic.

Labcorp Genetics (formerly Invitae), Labcorp
Classification: Pathogenic. Last evaluated: 2024-11-06. Review status: criteria provided, single submitter. Criteria: Invitae Variant Classification Sherloc (09022015). Collection method: clinical testing. Allele origin: germline.
Comment: This sequence change creates a premature translational stop signal (p.Pro176Hisfs*39) in the FGD1 gene. It is expected to result in an absent or disrupted protein product. Loss-of-function variants in FGD1 are known to be pathogenic (PMID: 21739585, 23211637, 25046119, 26029706). This variant is not present in population databases (gnomAD no frequency). This premature translational stop signal has been observed in individual(s) with FGD1-related conditions (PMID: 27959697). ClinVar contains an entry for this variant (Variation ID: 374329). For these reasons, this variant has been classified as Pathogenic.

Genomic Medicine Center of Excellence, King Faisal Specialist Hospital and Research Centre
Classification: Pathogenic for Aarskog syndrome. Last evaluated: 2024-04-04. Review status: criteria provided, single submitter. Criteria: ACMG Guidelines, 2015. Collection method: clinical testing. Allele origin: germline.

Pittsburgh Clinical Genomics Laboratory, University of Pittsburgh Medical Center
Classification: Pathogenic for Aarskog syndrome. Last evaluated: 2023-08-15. Review status: criteria provided, single submitter. Criteria: ACMG Guidelines, 2015. Collection method: clinical testing. Allele origin: germline. Inheritance: X-linked recessive inheritance. Affected: yes.
Comment: This sequence variant is a single nucleotide deletion in exon 3 of 18 of the FGD1 gene that results in an early termition codon 39 amino acids downstream of the frameshift at codon 176. This variant is predicted to generate a non-functiol allele through either the expression of a truncated protein or a loss of FGD1 expression due to nonsense mediated decay. This is a previously reported variant (ClinVar 374329) that has been observed in the literature in an individual with phenotypes consistent with Aarskog-Scott syndrome (PMID: 27959697). This variant is absent from the gnomAD population database (0/~131000 alleles). Haploinsufficiency in FGD1 is a known mechanism of disease. Based upon the evidence, we consider this variant to be pathogenic. ACMG Criteria: PM2, PVS1

Blueprint Genetics
Classification: Pathogenic for FGD1-related disorders. Last evaluated: 2023-04-25. Review status: criteria provided, single submitter. Criteria: ACMG Guidelines, 2015. Collection method: clinical testing. Allele origin: germline. Affected: yes. Observed: 3 variant alleles.

GeneDx
Classification: Pathogenic. Last evaluated: 2022-07-26. Review status: criteria provided, single submitter. Criteria: GeneDx Variant Classification Process June 2021. Collection method: clinical testing. Allele origin: germline. Affected: yes.
Comment: Frameshift variant predicted to result in protein truncation or nonsense mediated decay in a gene for which loss-of-function is a known mechanism of disease; Not observed at significant frequency in large population cohorts (gnomAD); This variant is associated with the following publications: (PMID: 27959697, 34189097)

Victorian Clinical Genetics Services, Murdoch Childrens Research Institute
Classification: Pathogenic for Aarskog syndrome. Last evaluated: 2020-05-12. Review status: criteria provided, single submitter. Criteria: ACMG Guidelines, 2015. Collection method: clinical testing. Allele origin: germline. Inheritance: X-linked recessive inheritance. Affected: yes.
Comment: Based on the classification scheme VCGS_Germline_v1.1.1, this variant is classified as Pathogenic. Following criteria are met: 0102 - Loss-of-function is a known mechanism of disease for this gene. (N) 0109 - This gene is known to be associated with X-linked recessive disease. (N) 0201 - Variant is predicted to cause nonsense-mediated decay (NMD) and loss of protein (exon 3 of 18). (P) 0253 - Variant is hemizygous. (N) 0301 - Variant is absent from gnomAD. (P) 0701 - Comparable variants have very strong previous evidence for pathogenicity (ClinVar, Orrico, A. et al. (2010)). (P) 0803 - Low previous evidence of pathogenicity in unrelated individuals (ClinVar). (P) 0905 - No segregation evidence has been identified for this variant. (N) 1007 - No published functional evidence has been identified for this variant. (N) 1102 - Strong phenotype match. (P) 1208 - Inheritance information for this variant is not currently available. (N) Legend: (P) - Pathogenic, (N) - Neutral, (B) - Benign

CENTOGENE GmbH and LLC - Guiding Precision Medicine
Classification: Pathogenic for Aarskog syndrome. Last evaluated: 2020-04-27. Review status: criteria provided, single submitter. Criteria: ACMG Guidelines, 2015. Collection method: clinical testing. Allele origin: germline. Affected: yes.

Ambry Genetics
Classification: Pathogenic for Inborn genetic diseases. Last evaluated: 2017-03-09. Review status: criteria provided, single submitter. Criteria: Ambry Variant Classification Scheme 2023. Collection method: clinical testing. Allele origin: germline.
Comment: The c.527delC pathogenic mutation, located in coding exon 3 of the FGD1 gene, results from a deletion of one nucleotide at nucleotide position 527, causing a translational frameshift with a predicted alternate stop codon (p.P176Hfs*39). This alteration is expected to result in loss of function by premature protein truncation or nonsense-mediated mRNA decay. As such, this alteration is interpreted as a disease-causing mutation.

Juno Genomics, Hangzhou Juno Genomics, Inc
Classification: Likely pathogenic for Aarskog syndrome. Review status: criteria provided, single submitter. Criteria: ACMG Guidelines, 2015. Collection method: clinical testing. Allele origin: germline. Affected: yes.
Comment: Absent from controls (or at extremely low frequency if recessive) in Genome Aggregation Database, Exome Sequencing Project, 1000 Genomes Project, or Exome Aggregation Consortium.;Null variant in a gene where loss of function (LOF) is a known mechanism of disease.

Baylor Genetics
Classification: Pathogenic for Aarskog syndrome. Last evaluated: 2014-12-19. Review status: no assertion criteria provided. Collection method: clinical testing. Allele origin: de novo. Inheritance: X-linked inheritance. Affected: yes. Observed: 1 variant allele, 1 hemizygote. Not counted in ClinVar's aggregate classification.
Comment: The PAFAH1B1 variant has been reported in one patient with a mild LIS1 phenotype [PMID: 11115846, 12885786]. The FGD1 variant is predicted to cause a frameshift and is categorized as deleterious by ACMGG guidelines [PMID: 18414213].

Literature cited by the submitters: PubMed 21739585 (cited by Labcorp Genetics (formerly Invitae), Labcorp); PubMed 23211637 (cited by Labcorp Genetics (formerly Invitae), Labcorp); PubMed 25046119 (cited by Labcorp Genetics (formerly Invitae), Labcorp); PubMed 26029706 (cited by Labcorp Genetics (formerly Invitae), Labcorp); PubMed 27959697 (cited by Labcorp Genetics (formerly Invitae), Labcorp and Pittsburgh Clinical Genomics Laboratory, University of Pittsburgh Medical Center); PubMed 20082460 (cited by Victorian Clinical Genetics Services, Murdoch Childrens Research Institute).